The following is an entry in ClinVar:

NM_000277.3(PAH):c.146C>T (p.Ala49Val)

Gene: PAH (phenylalanine hydroxylase; minus strand). Cytogenetic location: 12q23.2.
Variant type: single nucleotide variant.
Coding change: c.146C>T on transcript NM_000277.3 (MANE Select); coding-DNA position 146, C replaced by T.
Protein change: p.Ala49Val; replaces alanine 49 with valine.
Molecular consequence: missense variant.
Genome position (GRCh38, 1-based): chr12:102,912,813, G>A on the plus strand (C>T on the coding strand, the complement: PAH is on the minus strand). VCF-style: chr12-102912813-G-A. GRCh37 (hg19) VCF-style: chr12-103306591-G-A.
Other names: c.146C>T, p.Ala49Val (NM_001354304.2); short protein forms A49V.
Identifiers: ClinVar variation 1476195 (VCV001476195.6), dbSNP rs1878253465, ClinGen allele CA386302327.

ClinVar aggregate classification (germline): Uncertain significance (1 of 4 stars; one submission).

Conditions:
Phenylketonuria (PKU). Also called: OLIGOPHRENIA PHENYLPYRUVICA; Phenylketonurias; Phenylketonuria (PKU); FOLLING DISEASE. Identifiers: Orphanet 716, MedGen C0031485, MONDO:0009861, OMIM 261600. Disease mechanism: loss of function.

Submission:

Labcorp Genetics (formerly Invitae), Labcorp
Classification: Uncertain significance for Phenylketonuria. Last evaluated: 2025-07-16. Review status: criteria provided, single submitter. Criteria: Invitae Variant Classification Sherloc (09022015). Collection method: clinical testing. Allele origin: germline.
Comment: This sequence change replaces alanine, which is neutral and non-polar, with valine, which is neutral and non-polar, at codon 49 of the PAH protein (p.Ala49Val). This variant is not present in population databases (gnomAD no frequency). This variant has not been reported in the literature in individuals affected with PAH-related conditions. ClinVar contains an entry for this variant (Variation ID: 1476195). Invitae Evidence Modeling of protein sequence and biophysical properties (such as structural, functional, and spatial information, amino acid conservation, physicochemical variation, residue mobility, and thermodynamic stability) indicates that this missense variant is not expected to disrupt PAH protein function with a negative predictive value of 80%. In summary, the available evidence is currently insufficient to determine the role of this variant in disease. Therefore, it has been classified as a Variant of Uncertain Significance.